The following is an entry in ClinVar:

NM_001378120.1(MBD5):c.4417C>G (p.Leu1473Val)

Gene: MBD5 (methyl-CpG binding domain protein 5; plus strand). Cytogenetic location: 2q23.1.
Variant type: single nucleotide variant.
Coding change: c.4417C>G on transcript NM_001378120.1 (MANE Select); coding-DNA position 4417, C replaced by G.
Protein change: p.Leu1473Val; replaces leucine 1473 with valine.
Molecular consequence: missense variant.
Genome position (GRCh38, 1-based): chr2:148,490,049, C>G. VCF-style: chr2-148490049-C-G. GRCh37 (hg19) VCF-style: chr2-149247618-C-G.
Other names: c.3718C>G, p.Leu1240Val (NM_018328.5); short protein forms L1473V, L1240V.
Identifiers: ClinVar variation 1429004 (VCV001429004.6), dbSNP rs1400713495, ClinGen allele CA348729213.

ClinVar aggregate classification (germline): Uncertain significance (1 of 4 stars; one submission).

Conditions:
Intellectual developmental disorder, autosomal dominant 1. Also called: Intellectual disability, autosomal dominant 1; MBD5 Haploinsufficiency. Identifiers: Orphanet 228402, MedGen C1969562, MONDO:0007974, OMIM 156200.

Allele frequency attached by ClinVar (database versions not stated): gnomAD exomes 0.00001 and below 0.00001.
gnomAD v4.1: 2 of 1,614,004 alleles (0.00012%); highest among the groups gnomAD compares: Admixed American, 0.0033%; no homozygotes.

Submission:

Labcorp Genetics (formerly Invitae), Labcorp
Classification: Uncertain significance for Intellectual developmental disorder, autosomal dominant 1. Last evaluated: 2025-02-25. Review status: criteria provided, single submitter. Criteria: Invitae Variant Classification Sherloc (09022015). Collection method: clinical testing. Allele origin: germline.
Comment: This sequence change replaces leucine, which is neutral and non-polar, with valine, which is neutral and non-polar, at codon 1240 of the MBD5 protein (p.Leu1240Val). This variant is present in population databases (no rsID available, gnomAD 0.006%). This variant has not been reported in the literature in individuals affected with MBD5-related conditions. ClinVar contains an entry for this variant (Variation ID: 1429004). Experimental studies and prediction algorithms are not available or were not evaluated, and the functional significance of this variant is currently unknown. In summary, the available evidence is currently insufficient to determine the role of this variant in disease. Therefore, it has been classified as a Variant of Uncertain Significance.